The following is an entry in ClinVar:

ClinVar aggregate classification (germline): Uncertain significance (1 of 4 stars; one submission).

Conditions:
Hereditary sensory and autonomic neuropathy type 7. Also called: Neuropathy, hereditary sensory and autonomic, type VII; HSAN VII. Identifiers: Orphanet 391397, MedGen C3809882, MONDO:0014244, OMIM 615548.
Familial episodic pain syndrome with predominantly lower limb involvement. Also called: Episodic pain syndrome, familial, 3. Identifiers: Orphanet 391384, Orphanet 391392, MedGen C3809899, MONDO:0014247, OMIM 615552.

Submission:

Labcorp Genetics (formerly Invitae), Labcorp
Classification: Uncertain significance for Familial episodic pain syndrome with predominantly lower limb involvement; Hereditary sensory and autonomic neuropathy type 7. Last evaluated: 2021-03-19. Review status: criteria provided, single submitter. Criteria: Invitae Variant Classification Sherloc (09022015). Collection method: clinical testing. Allele origin: germline.
Comment: In summary, the available evidence is currently insufficient to determine the role of this variant in disease. Therefore, it has been classified as a Variant of Uncertain Significance. This variant has not been reported in the literature in individuals with SCN11A-related conditions. This variant is not present in population databases (ExAC no frequency). This sequence change creates a premature translational stop signal (p.Leu1375Serfs*4) in the SCN11A gene. It is expected to result in an absent or disrupted protein product. However, the current clinical and genetic evidence is not sufficient to establish whether loss-of-function variants in SCN11A cause disease.

NM_001349253.2(SCN11A):c.4122del (p.Leu1375fs)

Gene: SCN11A (sodium voltage-gated channel alpha subunit 11; minus strand). Cytogenetic location: 3p22.2.
Variant type: Deletion.
Coding change: c.4122del on transcript NM_001349253.2 (MANE Select); coding-DNA position 4122, one base deleted (T; older notation c.4122delT).
Protein change: p.Leu1375fs; shifts the reading frame from leucine 1375.
Molecular consequence: frameshift variant.
Genome position (GRCh38, 1-based): chr3:38,850,686, A deleted on the plus strand (T on the coding strand, the reverse complement: SCN11A is on the minus strand). VCF-style (leftmost placement, unchanged base first): chr3-38850685-GA-G. GRCh37 (hg19) VCF-style: chr3-38892176-GA-G.
Other names: c.4122del, p.Leu1375fs (NM_014139.3); short protein forms L1375fs.
Identifiers: ClinVar variation 1379717 (VCV001379717.6), dbSNP rs2126079659, ClinGen allele CA2573137058.
Genomic context (GRCh38, chr3:38,850,685, plus strand): 5'-TCATGGCTTTGGGTTGGTTGTATGATTCAGCCATCATGCTAATCATGTTTAGGATAATGA[GA>G]CTTATGATGATGATGTCAAAGATCTGGCTTGTGACTATGTCGAACACGAGACCTTGACAT-3'